The following is an entry in ClinVar:

NM_000075.4(CDK4):c.484G>A (p.Ala162Thr)

Gene: CDK4 (cyclin dependent kinase 4; minus strand). Cytogenetic location: 12q14.1.
Variant type: single nucleotide variant.
Coding change: c.484G>A on transcript NM_000075.4 (MANE Select); coding-DNA position 484, G replaced by A.
Protein change: p.Ala162Thr; replaces alanine 162 with threonine.
Molecular consequence: missense variant.
Genome position (GRCh38, 1-based): chr12:57,750,961, C>T on the plus strand (G>A on the coding strand, the complement: CDK4 is on the minus strand). VCF-style: chr12-57750961-C-T. GRCh37 (hg19) VCF-style: chr12-58144744-C-T.
Other names: short protein forms A162T.
Identifiers: ClinVar variation 2768173 (VCV002768173.3), dbSNP rs1555201301, ClinGen allele CA385546265.

ClinVar aggregate classification (germline): Uncertain significance (1 of 4 stars; one submission).

Conditions:
Familial melanoma. Also called: Hereditary melanoma; Hereditary cutaneous melanoma. Identifiers: Orphanet 618, MedGen C1512419, MONDO:0018961.

Submission:

Labcorp Genetics (formerly Invitae), Labcorp
Classification: Uncertain significance for Familial melanoma. Last evaluated: 2023-10-14. Review status: criteria provided, single submitter. Criteria: Invitae Variant Classification Sherloc (09022015). Collection method: clinical testing. Allele origin: germline.
Comment: This sequence change replaces alanine, which is neutral and non-polar, with threonine, which is neutral and polar, at codon 162 of the CDK4 protein (p.Ala162Thr). This variant is not present in population databases (gnomAD no frequency). This variant has not been reported in the literature in individuals affected with CDK4-related conditions. Advanced modeling of protein sequence and biophysical properties (such as structural, functional, and spatial information, amino acid conservation, physicochemical variation, residue mobility, and thermodynamic stability) performed at Invitae indicates that this missense variant is expected to disrupt CDK4 protein function. In summary, the available evidence is currently insufficient to determine the role of this variant in disease. Therefore, it has been classified as a Variant of Uncertain Significance.